The following is an entry in ClinVar:

ClinVar aggregate classification (germline): Likely benign. Review status: criteria provided, multiple submitters, no conflicts (2 of 4 stars). 6 submissions from 6 submitters: Likely benign (4). 2 of the submissions do not count toward it. Last evaluated 2026-08-07.

Conditions:
Episodic pain syndrome, familial, 2 (FEPS2). Identifiers: Orphanet 306577, MedGen C3809893, MONDO:0014246, OMIM 615551.
SCN10A-related disorder. Also called: SCN10A-related condition.
Brugada syndrome. Also called: Sudden unexpected nocturnal death syndrome; Sudden unexplained nocturnal death syndrome; Sudden Unexplained Death Syndrome; Sudden Unexplained Nocturnal Death Syndrome (SUNDS). Identifiers: Orphanet 130, MedGen C1142166, MONDO:0015263.

Allele frequency attached by ClinVar (database versions not stated): ExAC 0.00007; gnomAD exomes 0.00009 and 0.00014; ESP Exome Variant Server 0.00023; gnomAD 0.00026 and 0.00027; TOPMed 0.00034.
gnomAD v4.1: 175 of 1,604,042 alleles (0.011%); highest among the groups gnomAD compares: Admixed American, 0.095%; 1 homozygote.

Submissions (6):

PreventionGenetics, part of Exact Sciences
Classification: Likely benign for SCN10A-related condition. Last evaluated: 2026-08-07. Review status: criteria provided, single submitter. Criteria: ACMG Guidelines, 2015. Collection method: clinical testing. Allele origin: germline.
Comment: This variant is classified as likely benign based on ACMG/AMP sequence variant interpretation guidelines (Richards et al. 2015 PMID: 25741868, with internal and published modifications).

Labcorp Genetics (formerly Invitae), Labcorp
Classification: Likely benign for Brugada syndrome. Last evaluated: 2025-08-18. Review status: criteria provided, single submitter. Criteria: Invitae Variant Classification Sherloc (09022015). Collection method: clinical testing. Allele origin: germline.

Blueprint Genetics
Classification: Likely benign. Last evaluated: 2024-07-23. Review status: criteria provided, single submitter. Criteria: ACMG Guidelines, 2015. Collection method: clinical testing. Allele origin: germline.

Fulgent Genetics
Classification: Likely benign for Episodic pain syndrome, familial, 2. Last evaluated: 2021-10-14. Review status: criteria provided, single submitter. Criteria: ACMG Guidelines, 2015. Collection method: clinical testing. Allele origin: unknown.

Clinical Genetics, Academic Medical Center
Classification: Likely benign. Review status: no assertion criteria provided. Collection method: clinical testing. Allele origin: germline. Affected: yes. Study: VKGL Data-share Consensus. Not counted in ClinVar's aggregate classification.

Joint Genome Diagnostic Labs from Nijmegen and Maastricht, Radboudumc and MUMC+
Classification: Likely benign. Review status: no assertion criteria provided. Collection method: clinical testing. Allele origin: germline. Affected: yes. Study: VKGL Data-share Consensus. Not counted in ClinVar's aggregate classification.

NM_006514.4(SCN10A):c.2106+8C>T

Gene: SCN10A (sodium voltage-gated channel alpha subunit 10; minus strand). Cytogenetic location: 3p22.2.
Variant type: single nucleotide variant.
Coding change: c.2106+8C>T on transcript NM_006514.4 (MANE Select); 8 bases into the intron after coding-DNA position 2106, C replaced by T.
Molecular consequence: intron variant.
Genome position (GRCh38, 1-based): chr3:38,742,283, G>A on the plus strand (C>T on the coding strand, the complement: SCN10A is on the minus strand). VCF-style: chr3-38742283-G-A. GRCh37 (hg19) VCF-style: chr3-38783774-G-A.
Other names: c.1812+8C>T (NM_001293307.2); c.2106+8C>T (NM_001293306.2).
Identifiers: ClinVar variation 532153 (VCV000532153.17), dbSNP rs368212766, ClinGen allele CA2320656.